The following is an entry in ClinVar:

ClinVar aggregate classification (germline): Uncertain significance (1 of 4 stars; one submission).

Submission:

Labcorp Genetics (formerly Invitae), Labcorp
Classification: Uncertain significance. Last evaluated: 2022-08-02. Review status: criteria provided, single submitter. Criteria: Invitae Variant Classification Sherloc (09022015). Collection method: clinical testing. Allele origin: germline.
Comment: In summary, the available evidence is currently insufficient to determine the role of this variant in disease. Therefore, it has been classified as a Variant of Uncertain Significance. This variant has not been reported in the literature in individuals affected with PACS2-related conditions. This variant results in a copy number gain of the genomic region encompassing exon(s) 1 of the PACS2 gene. This region includes the initiator codon of the gene. This copy number gain extends beyond the assayed region for this gene and therefore may encompass additional genes. As the precise location of this event is unknown, it may be in tandem or it may be located elsewhere in the genome.

NC_000014.8:g.(?_105781256)_(105781394_?)dup

Genes: BRF1 (BRF1 RNA polymerase III transcription initiation factor subunit; minus strand), PACS2 (phosphofurin acidic cluster sorting protein 2; plus strand). Cytogenetic location: 14q32.33.
Variant type: Duplication.
Identifiers: ClinVar variation 2423702 (VCV002423702.4).